The following is an entry in ClinVar:

ClinVar aggregate classification (germline): Pathogenic (1 of 4 stars; one submission).

Allele frequency attached by ClinVar (database versions not stated): gnomAD exomes below 0.00001; gnomAD 0.00001.

Submission:

Labcorp Genetics (formerly Invitae), Labcorp
Classification: Pathogenic. Last evaluated: 2023-05-08. Review status: criteria provided, single submitter. Criteria: Invitae Variant Classification Sherloc (09022015). Collection method: clinical testing. Allele origin: germline.
Comment: For these reasons, this variant has been classified as Pathogenic. ClinVar contains an entry for this variant (Variation ID: 1408745). This variant is also known as c.2639delC (p.T880Sfs*12). This premature translational stop signal has been observed in individual(s) with clinical features of TJP2-related conditions (PMID: 30658709). This variant is present in population databases (no rsID available, gnomAD 0.01%). This sequence change creates a premature translational stop signal (p.Thr849Serfs*12) in the TJP2 gene. It is expected to result in an absent or disrupted protein product. Loss-of-function variants in TJP2 are known to be pathogenic (PMID: 24614073, 25921221, 28039895).

Literature cited by the submitters: PubMed 30658709; PubMed 24614073; PubMed 25921221; PubMed 28039895.

NM_004817.4(TJP2):c.2546del (p.Thr849fs)

Gene: TJP2 (tight junction protein 2; plus strand). Cytogenetic location: 9q21.11.
Variant type: Deletion.
Coding change: c.2546del on transcript NM_004817.4 (MANE Select); coding-DNA position 2546, one base deleted (C; older notation c.2546delC).
Protein change: p.Thr849fs; shifts the reading frame from threonine 849.
Molecular consequence: frameshift variant.
Genome position (GRCh38, 1-based): chr9:69,240,127, C deleted. VCF-style (leftmost placement, unchanged base first): chr9-69240126-AC-A. GRCh37 (hg19) VCF-style: chr9-71855042-AC-A.
Other names: c.2477del, p.Thr826fs (NM_001170414.2, NM_001369871.1); c.2558del, p.Thr853fs (NM_001170415.1, NM_001369874.1, NM_001369875.1); c.2639del, p.Thr880fs (NM_001170416.2); c.2471del, p.Thr824fs (NM_001369870.1); c.2546del, p.Thr849fs (NM_001369872.1, NM_001369873.1, NM_201629.3); short protein forms T853fs, T880fs, T824fs, T826fs, T849fs.
Identifiers: ClinVar variation 1408745 (VCV001408745.8), dbSNP rs1309543056, ClinGen allele CA588647980.